The following is an entry in ClinVar:

NM_001330288.2(SMARCC2):c.910del (p.Ser304fs)

Gene: SMARCC2 (SWI/SNF related BAF chromatin remodeling complex subunit C2; minus strand). Cytogenetic location: 12q13.2.
Variant type: Deletion.
Coding change: c.910del on transcript NM_001330288.2 (MANE Select); coding-DNA position 910, one base deleted (T; older notation c.910delT).
Protein change: p.Ser304fs; shifts the reading frame from serine 304.
Molecular consequence: frameshift variant.
Genome position (GRCh38, 1-based): chr12:56,181,528, A deleted on the plus strand (T on the coding strand, the reverse complement: SMARCC2 is on the minus strand). VCF-style (leftmost placement, unchanged base first): chr12-56181527-GA-G. GRCh37 (hg19) VCF-style: chr12-56575311-GA-G.
Other names: c.910del, p.Ser304fs (NM_001130420.3, NM_003075.5, NM_139067.4); short protein forms S304fs.
Identifiers: ClinVar variation 4278619 (VCV004278619.1).
Genomic context (GRCh38, chr12:56,181,527, plus strand): 5'-TAGGGGCTGGCACACCCTTTCTTAGCATTTTTCTTCTTTGCTTCTGGGGTTGGTGAAGGA[GA>G]GGGGGAGCGCTTCCTCTTCTTATAGTTTCCCCCCTTCTTGTCCCGTCGATCTGAATCTGG-3'

ClinVar aggregate classification (germline): Pathogenic (1 of 4 stars; one submission).

Submission:

GeneDx
Classification: Pathogenic. Last evaluated: 2025-04-03. Review status: criteria provided, single submitter. Criteria: GeneDx Variant Classification Process June 2021. Collection method: clinical testing. Allele origin: germline. Affected: yes.
Comment: Frameshift variant predicted to result in protein truncation or nonsense mediated decay in a gene for which loss of function is a known mechanism of disease; Not observed at significant frequency in large population cohorts (gnomAD); Has not been previously published as pathogenic or benign to our knowledge